The following is an entry in ClinVar:

ClinVar aggregate classification (germline): Conflicting classifications of pathogenicity. Review status: criteria provided, conflicting classifications (1 of 4 stars). 5 submissions from 5 submitters: Uncertain significance (4); Likely benign (1). Last evaluated 2023-07-19.

Conditions:
Hereditary cancer-predisposing syndrome. Also called: Tumor predisposition; Hereditary Cancer Syndrome; Neoplastic Syndromes, Hereditary; Hereditary neoplastic syndrome. Identifiers: Orphanet 140162, MedGen C0027672, MeSH D009386, MONDO:0015356.
Hereditary breast ovarian cancer syndrome. Also called: BRCA1- and BRCA2-Associated Hereditary Breast and Ovarian Cancer; Hereditary breast and ovarian cancer syndrome; Hereditary breast and ovarian cancer; Hereditary breast and ovarian cancer syndrome (HBOC); Hereditary breast and/or ovarian cancer syndrome; Breast and ovarian cancer. Identifiers: Orphanet 145, MedGen C0677776, MeSH D061325, MONDO:0003582. Disease mechanism: loss of function.

Allele frequency attached by ClinVar (database versions not stated): TOPMed 0.00001.
gnomAD v4.1: 2 of 1,613,890 alleles (0.00012%); highest among the groups gnomAD compares: Non-Finnish European, 0.000085%; no homozygotes.

Submissions (5):

Ambry Genetics
Classification: Uncertain significance for Hereditary cancer-predisposing syndrome. Last evaluated: 2023-07-19. Review status: criteria provided, single submitter. Criteria: Ambry Variant Classification Scheme 2023. Collection method: clinical testing. Allele origin: germline.
Comment: The p.G1523D variant (also known as c.4568G>A), located in coding exon 10 of the BRCA2 gene, results from a G to A substitution at nucleotide position 4568. The glycine at codon 1523 is replaced by aspartic acid, an amino acid with similar properties. This amino acid position is not well conserved in available vertebrate species. In addition, the in silico prediction for this alteration is inconclusive. Since supporting evidence is limited at this time, the clinical significance of this alteration remains unclear.

University of Washington Department of Laboratory Medicine, University of Washington
Classification: Likely benign for Hereditary cancer-predisposing syndrome. Last evaluated: 2023-03-23. Review status: criteria provided, single submitter. Criteria: Dines et al. (Genet Med. 2020). Collection method: curation. Allele origin: germline.
Comment: Missense variant in a coldspot region where missense variants are very unlikely to be pathogenic (PMID:31911673).

BRCA2 exon 11 coldspot. Reclassification based on statistical prior probability.

Quest Diagnostics Nichols Institute San Juan Capistrano
Classification: Uncertain significance. Last evaluated: 2022-10-18. Review status: criteria provided, single submitter. Criteria: Quest Diagnostics criteria. Collection method: clinical testing. Allele origin: unknown.
Comment: The frequency of this variant in the general population, 0.000004 (1/250510 chromosomes), is uninformative in assessment of its pathogenicity. In the published literature, the variant has been reported in an individual with ovarian cancer (PMID: 28692638 (2017)). Analysis of this variant using bioinformatics tools for the prediction of the effect of amino acid changes on protein structure and function yielded predictions that this variant is benign. Based on the available information, we are unable to determine the clinical significance of this variant.

GeneDx
Classification: Uncertain significance. Last evaluated: 2022-09-28. Review status: criteria provided, single submitter. Criteria: GeneDx Variant Classification Process June 2021. Collection method: clinical testing. Allele origin: germline. Affected: yes.
Comment: Not observed at significant frequency in large population cohorts (gnomAD); In silico analysis supports that this missense variant has a deleterious effect on protein structure/function; Observed in an individual with ovarian cancer (Wu et al., 2017); Also known as 4796G>A; This variant is associated with the following publications: (PMID: 35325018, 9002670, 22193408, 30702160, 31825140, 28692638, 32377563, 31911673, 29884841)

Labcorp Genetics (formerly Invitae), Labcorp
Classification: Uncertain significance for Hereditary breast ovarian cancer syndrome. Last evaluated: 2021-12-29. Review status: criteria provided, single submitter. Criteria: Invitae Variant Classification Sherloc (09022015). Collection method: clinical testing. Allele origin: germline.
Comment: This sequence change replaces glycine, which is neutral and non-polar, with aspartic acid, which is acidic and polar, at codon 1523 of the BRCA2 protein (p.Gly1523Asp). This variant is present in population databases (no rsID available, gnomAD 0.0009%). In summary, the available evidence is currently insufficient to determine the role of this variant in disease. Therefore, it has been classified as a Variant of Uncertain Significance. This missense change has been observed in individual(s) with ovarian cancer (PMID: 28692638). ClinVar contains an entry for this variant (Variation ID: 619808). Advanced modeling of protein sequence and biophysical properties (such as structural, functional, and spatial information, amino acid conservation, physicochemical variation, residue mobility, and thermodynamic stability) performed at Invitae indicates that this missense variant is not expected to disrupt BRCA2 protein function.

Literature cited by the submitters: PubMed 30702160 (cited by Quest Diagnostics Nichols Institute San Juan Capistrano); PubMed 28692638 (cited by Quest Diagnostics Nichols Institute San Juan Capistrano and Labcorp Genetics (formerly Invitae), Labcorp).

NM_000059.4(BRCA2):c.4568G>A (p.Gly1523Asp)

Gene: BRCA2 (BRCA2 DNA repair associated; plus strand). Cytogenetic location: 13q13.1.
Variant type: single nucleotide variant.
Coding change: c.4568G>A on transcript NM_000059.4 (MANE Select); coding-DNA position 4568, G replaced by A.
Protein change: p.Gly1523Asp; replaces glycine 1523 with aspartic acid.
Molecular consequence: missense variant.
Genome position (GRCh38, 1-based): chr13:32,338,923, G>A. VCF-style: chr13-32338923-G-A. GRCh37 (hg19) VCF-style: chr13-32913060-G-A.
Other names: short protein forms G1523D.
Identifiers: ClinVar variation 619808 (VCV000619808.19), dbSNP rs879255451, ClinGen allele CA387781856.